The following is an entry in ClinVar:

ClinVar aggregate classification (germline): Uncertain significance (1 of 4 stars; one submission).

Conditions:
Leukoencephalopathy, motor delay, spasticity, and dysarthria syndrome. Also called: LEMSPAD SYNDROME. Identifiers: MedGen C5394371, MONDO:0030036, OMIM 618878.

Submission:

Dasa
Classification: Uncertain significance for Leukoencephalopathy, motor delay, spasticity, and dysarthria syndrome. Last evaluated: 2025-09-23. Review status: criteria provided, single submitter. Criteria: DASA Assertion Criteria. Collection method: clinical testing. Allele origin: germline.
Comment: NM_014413.4(EIF2AK1):c.1530+1G>A affects a canonical splice site and is predicted to disrupt normal RNA splicing. This variant is absent from population databases. Computational prediction algorithms are consistent with a deleterious effect. The currently available literature and clinical evidence are not sufficient to establish a definitive association between this variant and the reported condition. Therefore, this variant is classified as a variant of uncertain significance.

NM_014413.4(EIF2AK1):c.1530+1G>A

Gene: EIF2AK1 (eukaryotic translation initiation factor 2 alpha kinase 1; minus strand). Cytogenetic location: 7p22.1.
Variant type: single nucleotide variant.
Coding change: c.1530+1G>A on transcript NM_014413.4 (MANE Select); the canonical splice donor site of the intron after coding-DNA position 1530, G replaced by A.
Molecular consequence: splice donor variant.
Genome position (GRCh38, 1-based): chr7:6,028,614, C>T on the plus strand (G>A on the coding strand, the complement: EIF2AK1 is on the minus strand). VCF-style: chr7-6028614-C-T. GRCh37 (hg19) VCF-style: chr7-6068245-C-T.
Other names: c.1527+1G>A (NM_001134335.2).
Identifiers: ClinVar variation 4881330 (VCV004881330.2).